The following is an entry in ClinVar:

NM_000548.5(TSC2):c.4662+10C>T

Gene: TSC2 (TSC complex subunit 2; plus strand). Cytogenetic location: 16p13.3.
Variant type: single nucleotide variant.
Coding change: c.4662+10C>T on transcript NM_000548.5 (MANE Select); 10 bases into the intron after coding-DNA position 4662, C replaced by T.
Molecular consequence: intron variant.
Genome position (GRCh38, 1-based): chr16:2,085,332, C>T. VCF-style: chr16-2085332-C-T. GRCh37 (hg19) VCF-style: chr16-2135333-C-T.
Other names: c.4593+10C>T (NM_001114382.3); c.4533+10C>T (NM_021055.3, NM_001370405.1); c.4464+10C>T (NM_001363528.2); c.4530+10C>T (NM_001370404.1); c.4461+10C>T (NM_001077183.3); c.4353+10C>T (NM_001318827.2); c.3930+10C>T (NM_001318831.2); c.4317+10C>T (NM_001318829.2); and 1 more.
Identifiers: ClinVar variation 207686 (VCV000207686.16), dbSNP rs371195832, ClinGen allele CA052033.

ClinVar aggregate classification (germline): Benign/Likely benign. Review status: criteria provided, multiple submitters, no conflicts (2 of 4 stars). 6 submissions from 6 submitters: Benign (4); Likely benign (2). Last evaluated 2026-01-05.

Conditions:
Tuberous sclerosis 2 (TSC2). Identifiers: Orphanet 805, MedGen C1860707, MONDO:0013199, OMIM 613254.

Allele frequency attached by ClinVar (database versions not stated): ExAC 0.00003; gnomAD 0.00003 and 0.00005; gnomAD exomes 0.00003; TOPMed 0.00003; ESP Exome Variant Server 0.00008.
gnomAD v4.1: 71 of 1,612,296 alleles (0.0044%); highest among the groups gnomAD compares: East Asian, 0.013%; no homozygotes.

Submissions (6):

Labcorp Genetics (formerly Invitae), Labcorp
Classification: Benign for Tuberous sclerosis 2. Last evaluated: 2026-01-05. Review status: criteria provided, single submitter. Criteria: Invitae Variant Classification Sherloc (09022015). Collection method: clinical testing. Allele origin: germline.

Myriad Genetics, Inc.
Classification: Benign for Tuberous sclerosis 2. Last evaluated: 2025-06-04. Review status: criteria provided, single submitter. Criteria: Myriad Autosomal Dominant, Autosomal Recessive and X-Linked Classification Criteria (2023). Collection method: clinical testing. Allele origin: unknown.
Comment: This variant is considered benign. This variant is intronic and is not expected to impact mRNA splicing. This variant has been observed at a population frequency that is significantly greater than expected given the associated disease prevalence and penetrance.

Quest Diagnostics Nichols Institute San Juan Capistrano
Classification: Likely benign. Last evaluated: 2025-01-27. Review status: criteria provided, single submitter. Criteria: Quest Diagnostics criteria. Collection method: clinical testing. Allele origin: unknown.

Blueprint Genetics
Classification: Likely benign. Last evaluated: 2023-09-14. Review status: criteria provided, single submitter. Criteria: ACMG Guidelines, 2015. Collection method: clinical testing. Allele origin: germline.

Genome-Nilou Lab
Classification: Benign for Tuberous sclerosis 2. Last evaluated: 2021-11-07. Review status: criteria provided, single submitter. Criteria: ACMG Guidelines, 2015. Collection method: clinical testing. Allele origin: germline. Affected: no.

GeneDx
Classification: Benign. Last evaluated: 2012-09-14. Review status: criteria provided, single submitter. Criteria: GeneDx Variant Classification (06012015). Collection method: clinical testing. Allele origin: germline. Affected: yes.
Comment: This variant is considered likely benign or benign based on one or more of the following criteria: it is a conservative change, it occurs at a poorly conserved position in the protein, it is predicted to be benign by multiple in silico algorithms, and/or has population frequency not consistent with disease.